The following is an entry in ClinVar:

NM_001278669.2(NFATC1):c.1222A>G (p.Met408Val)

Gene: NFATC1 (nuclear factor of activated T cells 1; plus strand). Cytogenetic location: 18q23.
Variant type: single nucleotide variant.
Coding change: c.1222A>G on transcript NM_001278669.2 (MANE Select); coding-DNA position 1222, A replaced by G.
Protein change: p.Met408Val; replaces methionine 408 with valine.
Molecular consequence: missense variant. On other transcripts: intron variant (2).
Genome position (GRCh38, 1-based): chr18:79,411,497, A>G. VCF-style: chr18-79411497-A-G. GRCh37 (hg19) VCF-style: chr18-77171497-A-G.
Other names: c.1222A>G, p.Met408Val (NM_001278670.2, NM_006162.5, NM_172390.3); c.1183A>G, p.Met395Val (NM_001278672.2, NM_001278675.2, NM_172387.3 and 1 more transcripts); c.-191+15146A>G (NM_172388.3); c.-191+11018A>G (NM_001278673.2); short protein forms M395V, M408V.
Identifiers: ClinVar variation 2636804 (VCV002636804.2), dbSNP rs1293356162, ClinGen allele CA402830312.

ClinVar aggregate classification (germline): Uncertain significance. Review status: criteria provided, multiple submitters, no conflicts (2 of 4 stars). 2 submissions from 2 submitters: Uncertain significance (2). Last evaluated 2025-02-13.

Conditions:
NFATC1-related disorder. Also called: NFATC1-related condition.

gnomAD v4.1: 6 of 1,487,642 alleles (0.0004%); highest among the groups gnomAD compares: Admixed American, 0.0049%; no homozygotes.

Submissions (2):

Labcorp Genetics (formerly Invitae), Labcorp
Classification: Uncertain significance. Last evaluated: 2025-02-13. Review status: criteria provided, single submitter. Criteria: Invitae Variant Classification Sherloc (09022015). Collection method: clinical testing. Allele origin: germline.
Comment: This sequence change replaces methionine, which is neutral and non-polar, with valine, which is neutral and non-polar, at codon 408 of the NFATC1 protein (p.Met408Val). This variant is not present in population databases (gnomAD no frequency). This variant has not been reported in the literature in individuals affected with NFATC1-related conditions. ClinVar contains an entry for this variant (Variation ID: 2636804). An algorithm developed to predict the effect of missense changes on protein structure and function outputs the following: PolyPhen-2: "Benign". The valine amino acid residue is found in multiple mammalian species, which suggests that this missense change does not adversely affect protein function. In summary, the available evidence is currently insufficient to determine the role of this variant in disease. Therefore, it has been classified as a Variant of Uncertain Significance.

PreventionGenetics, part of Exact Sciences
Classification: Uncertain significance for NFATC1-related condition. Last evaluated: 2023-01-05. Review status: criteria provided, single submitter. Criteria: ACMG Guidelines, 2015. Collection method: clinical testing. Allele origin: germline.
Comment: The NFATC1 c.1222A>G variant is predicted to result in the amino acid substitution p.Met408Val. To our knowledge, this variant has not been reported in the literature or in a large population database, indicating this variant is rare. At this time, the clinical significance of this variant is uncertain due to the absence of conclusive functional and genetic evidence.